The following is an entry in ClinVar:

NM_001035.3(RYR2):c.1205G>A (p.Gly402Asp)

Gene: RYR2 (ryanodine receptor 2; plus strand). Cytogenetic location: 1q43.
Variant type: single nucleotide variant.
Coding change: c.1205G>A on transcript NM_001035.3 (MANE Select); coding-DNA position 1205, G replaced by A.
Protein change: p.Gly402Asp; replaces glycine 402 with aspartic acid.
Molecular consequence: missense variant.
Genome position (GRCh38, 1-based): chr1:237,445,435, G>A. VCF-style: chr1-237445435-G-A. GRCh37 (hg19) VCF-style: chr1-237608735-G-A.
Other names: short protein forms G402D.
Identifiers: ClinVar variation 3074578 (VCV003074578.1), dbSNP rs1708244501, ClinGen allele CA345377539.

ClinVar aggregate classification (germline): Uncertain significance (1 of 4 stars; one submission).

Conditions:
Catecholaminergic polymorphic ventricular tachycardia (CVPT). Also called: Catecholamine-induced polymorphic ventricular tachycardia. Identifiers: Orphanet 3286, MedGen C5574922, MONDO:0017990.

Submission:

All of Us Research Program, National Institutes of Health
Classification: Uncertain significance for Catecholaminergic polymorphic ventricular tachycardia. Last evaluated: 2023-11-20. Review status: criteria provided, single submitter. Criteria: ACMG Guidelines, 2015. Collection method: clinical testing. Allele origin: germline. Inheritance: Autosomal dominant inheritance. Observed: 1 variant allele, 1 heterozygote.
Comment: This missense variant replaces glycine with aspartic acid at codon 402 of the RYR2 protein. Computational prediction suggests that this variant may have deleterious impact on protein structure and function (internally defined REVEL score threshold >= 0.7, PMID: 27666373). To our knowledge, functional studies have not been reported for this variant. This variant has not been reported in individuals affected with RYR2-related disorders in the literature. This variant has not been identified in the general population by the Genome Aggregation Database (gnomAD). The available evidence is insufficient to determine the role of this variant in disease conclusively. Therefore, this variant is classified as a Variant of Uncertain Significance.

This study involves interpretation of variants in research participants for the purpose of population health screening. Participant phenotype was not available at the time of variant classification. Additional details can be found in publication PMID: 35346344, PMCID: PMC8962531